The following is an entry in ClinVar:

ClinVar aggregate classification (germline): Conflicting classifications of pathogenicity. Review status: criteria provided, conflicting classifications (1 of 4 stars). 2 submissions from 2 submitters: Likely pathogenic (1); Uncertain significance (1). Last evaluated 2023-12-14.

Conditions:
Capillary malformation-arteriovenous malformation 1 (CMAVM1). Identifiers: Orphanet 137667, Orphanet 693907, MedGen C4747394, MONDO:0020783, OMIM 608354.
Capillary malformation-arteriovenous malformation syndrome. Also called: Capillary malformation-arteriovenous malformation. Identifiers: Orphanet 137667, MedGen C1842180, MONDO:0012016.

Submissions (2):

Clinical Genomics Laboratory, Washington University in St. Louis
Classification: Likely pathogenic for Capillary malformation-arteriovenous malformation 1. Last evaluated: 2023-12-14. Review status: criteria provided, single submitter. Criteria: ACMG Guidelines, 2015. Collection method: clinical testing. Allele origin: somatic. Affected: yes.
Comment: A RASA1 c.1805_1807del (p.Glu602del) variant was identified at an allelic fraction consistent with somatic origin. This variant, to our knowledge, has not been reported in the medical literature. It is absent from the general population (gnomAD v.4.0.0), indicating it is not a common variant and occurs at a highly conserved position in the gene. This RASA1 c.1805_1807del (p.Glu602del) variant is predicted to cause a change in the length of the protein due to an in-frame deletion of a single amino acid in a non-repeat region. Based on an internally developed protocol informed by the ACMG/AMP guidelines (Richards S et al., PMID: 25741868) and gene-specific practices from the ClinGen Criteria Specification Registry, the RASA1 c.1805_1807del (p.Glu602del) variant is classified as likely pathogenic.

Labcorp Genetics (formerly Invitae), Labcorp
Classification: Uncertain significance for Capillary malformation-arteriovenous malformation syndrome. Last evaluated: 2023-09-23. Review status: criteria provided, single submitter. Criteria: Invitae Variant Classification Sherloc (09022015). Collection method: clinical testing. Allele origin: germline.
Comment: In summary, the available evidence is currently insufficient to determine the role of this variant in disease. Therefore, it has been classified as a Variant of Uncertain Significance. Experimental studies and prediction algorithms are not available or were not evaluated, and the functional significance of this variant is currently unknown. This variant has not been reported in the literature in individuals affected with RASA1-related conditions. This variant is not present in population databases (gnomAD no frequency). This variant, c.1805_1807del, results in the deletion of 1 amino acid(s) of the RASA1 protein (p.Glu602del), but otherwise preserves the integrity of the reading frame.

NM_002890.3(RASA1):c.1802AAG[1] (p.Glu602del)

Genes: CCNH (cyclin H; minus strand), RASA1 (RAS p21 protein activator 1; plus strand). Cytogenetic location: 5q14.3.
Variant type: Microsatellite.
Coding change: c.1802AAG[1] on transcript NM_002890.3 (MANE Select); one copy of the 3-base unit AAG starting at c.1802; the reference has two copies in a row; one copy, 3 bases deleted; also written c.1805_1807del.
Protein change: p.Glu602del; deletes glutamic acid 602.
Molecular consequence: inframe deletion. On other transcripts: intron variant (1).
Genome position (GRCh38, 1-based): chr5:87,374,191-87,374,193, AAG deleted; deleting any 3 consecutive bases within chr5:87,374,187-87,374,193 gives the same sequence; the position shown is the placement nearest the transcript's 3' end. VCF-style (leftmost placement, unchanged base first): chr5-87374186-TGAA-T. GRCh37 (hg19) VCF-style: chr5-86670003-TGAA-T.
Other names: c.1805_1807del (NM_002890.3); c.1271AAG[1], p.Glu425del (NM_022650.3); c.933+20855_933+20857del (NM_001364075.2); short protein forms E602del, E425del.
Identifiers: ClinVar variation 2762914 (VCV002762914.4), dbSNP rs2531338234, ClinGen allele CA2697546318.